The following is an entry in ClinVar:

GRCh37/hg19 20q12(chr20:39294079-39611802)x1

Gene: MAFB (MAF bZIP transcription factor B; minus strand). Cytogenetic location: 20q12.
Variant type: copy number loss.
Change: copy number 1 (one copy instead of two) of chr20:39,294,079-39,611,802 (317.7 kb, GRCh37 coordinates, 1-based), cytogenetic band 20q12.
Identifiers: ClinVar variation 2685646 (VCV002685646.1).

ClinVar aggregate classification (germline): Likely pathogenic (1 of 4 stars; one submission).

Submission:

Quest Diagnostics Nichols Institute San Juan Capistrano
Classification: Likely pathogenic. Last evaluated: 2023-02-19. Review status: criteria provided, single submitter. Criteria: ACMG/ClinGen CNV Guidelines, 2019. Collection method: clinical testing. Allele origin: unknown.
Comment: This loss contains the entire MAFB gene (OMIM 608968). Heterozygous variants and full gene deletions of MAFB have been reported in association with autosomal dominant Duane retraction syndrome-3 with or without deafness (OMIM 617041, Park 2016, Kaimori 2021, Sato 2018, Drovandi 2022). At least one individual who inherited a nonsense variant of MAFB from their affected father did not show evidence of the DURS3 phenotype (Kaimori 2021), and there is one similar copy number loss of this region in the general populations of the Database of Genomic Variants. Based on emerging associations in medical literature, this copy number variant (CNV) is classified as likely pathogenic. References: Drovandi et al., J Clin Med. 2022 Jul 29;11(15):4423. PMID: 35956038 Kaimori et al., Nephron. 2021;145(4):445-450. PMID: 33975323 Sato et al., Kidney Int. 2018 Aug;94(2):396-407. PMID: 29779709 Park et al., Am J Hum Genet. 2016 Jun 2;98(6):1220-1227. PMID: 27181683